The following is an entry in ClinVar:

NM_002850.4(PTPRS):c.4151G>A (p.Arg1384Gln)

Gene: PTPRS (protein tyrosine phosphatase receptor type S; minus strand). Cytogenetic location: 19p13.3.
Variant type: single nucleotide variant.
Coding change: c.4151G>A on transcript NM_002850.4 (MANE Select); coding-DNA position 4151, G replaced by A.
Protein change: p.Arg1384Gln; replaces arginine 1384 with glutamine.
Molecular consequence: missense variant.
Genome position (GRCh38, 1-based): chr19:5,215,541, C>T on the plus strand (G>A on the coding strand, the complement: PTPRS is on the minus strand). VCF-style: chr19-5215541-C-T. GRCh37 (hg19) VCF-style: chr19-5215552-C-T.
Other names: c.4085G>A, p.Arg1362Gln (NM_001394011.1); c.4064G>A, p.Arg1355Gln (NM_001394012.1); c.4025G>A, p.Arg1342Gln (NM_001394013.1); c.2810G>A, p.Arg937Gln (NM_130853.3); c.4037G>A, p.Arg1346Gln (NM_130854.3); c.2822G>A, p.Arg941Gln (NM_130855.3); short protein forms R1342Q, R1355Q, R1362Q, R941Q, R1346Q, R1384Q, R937Q.
Identifiers: ClinVar variation 4985377 (VCV004985377.1).

ClinVar aggregate classification (germline): Likely benign (1 of 4 stars; one submission).

Conditions:
PTPRS-related disorder. Also called: PTPRS-related condition.

gnomAD v4.1: 1,739 of 1,612,084 alleles (0.11%); highest among the groups gnomAD compares: Non-Finnish European, 0.12%; 1 homozygote.

Submission:

PreventionGenetics, part of Exact Sciences
Classification: Likely benign for PTPRS-related condition. Last evaluated: 2025-08-25. Review status: criteria provided, single submitter. Criteria: ACMG Guidelines, 2015. Collection method: clinical testing. Allele origin: germline.
Comment: This variant is classified as likely benign based on ACMG/AMP sequence variant interpretation guidelines (Richards et al. 2015 PMID: 25741868, with internal and published modifications).